The following is an entry in ClinVar:

NM_000161.3(GCH1):c.596C>T (p.Pro199Leu)

Gene: GCH1 (GTP cyclohydrolase 1; minus strand). Cytogenetic location: 14q22.2.
Variant type: single nucleotide variant.
Coding change: c.596C>T on transcript NM_000161.3 (MANE Select); coding-DNA position 596, C replaced by T.
Protein change: p.Pro199Leu; replaces proline 199 with leucine.
Molecular consequence: missense variant.
Genome position (GRCh38, 1-based): chr14:54,845,798, G>A on the plus strand (C>T on the coding strand, the complement: GCH1 is on the minus strand). VCF-style: chr14-54845798-G-A. GRCh37 (hg19) VCF-style: chr14-55312516-G-A.
Other names: c.596C>T, p.Pro199Leu (NM_001024024.2, NM_001024070.2, NM_001024071.2); short protein forms P199L.
Identifiers: ClinVar variation 1418668 (VCV001418668.6), dbSNP rs2140041686, ClinGen allele CA389787316.
Genomic context (GRCh38, chr14:54,845,798, plus strand): 5'-TGACGTTACTAAAGGCAGATGCAGACTTACGTTGCTTCAACCACTACCCCGACTCCAGCA[G>A]GCCGCAAGGCTTCCGTGATTGCTACAGCAATTTGTTTTGTAAGGCGCTCCTGAACTGTGG-3'
Protein context (NP_000152.1, residues 189-209): IAVAITEALR[Pro199Leu]AGVGVVVEAT

ClinVar aggregate classification (germline): Uncertain significance (1 of 4 stars; one submission).

Conditions:
GTP cyclohydrolase I deficiency. Identifiers: MedGen C0268467, MONDO:0100184.
Dystonia 5 (DRD). Also called: GTP Cyclohydrolase 1-Deficient Dopa-Responsive Dystonia; DYSTONIA, PROGRESSIVE, WITH DIURNAL VARIATION; DYSTONIA-PARKINSONISM WITH DIURNAL FLUCTUATION; Dystonia, DOPA-responsive, with or without hyperphenylalaninemia; DYT-GCH1. Identifiers: Orphanet 98808, MedGen C1851920, MONDO:0007495, OMIM 128230.

Submission:

Labcorp Genetics (formerly Invitae), Labcorp
Classification: Uncertain significance for GTP cyclohydrolase I deficiency; Dystonia 5. Last evaluated: 2022-10-13. Review status: criteria provided, single submitter. Criteria: Invitae Variant Classification Sherloc (09022015). Collection method: clinical testing. Allele origin: germline.
Comment: In summary, the available evidence is currently insufficient to determine the role of this variant in disease. Therefore, it has been classified as a Variant of Uncertain Significance. This variant disrupts the p.Pro199 amino acid residue in GCH1. Other variant(s) that disrupt this residue have been observed in individuals with GCH1-related conditions (PMID: 15303002), which suggests that this may be a clinically significant amino acid residue. Advanced modeling of protein sequence and biophysical properties (such as structural, functional, and spatial information, amino acid conservation, physicochemical variation, residue mobility, and thermodynamic stability) performed at Invitae indicates that this missense variant is expected to disrupt GCH1 protein function. ClinVar contains an entry for this variant (Variation ID: 1418668). This missense change has been observed in individual(s) with clinical features of autosomal dominant dopa-responsive dystonia (PMID: 10825351). This variant is not present in population databases (gnomAD no frequency). This sequence change replaces proline, which is neutral and non-polar, with leucine, which is neutral and non-polar, at codon 199 of the GCH1 protein (p.Pro199Leu).

Literature cited by the submitters: PubMed 15303002; PubMed 10825351.